The following is an entry in ClinVar:

ClinVar aggregate classification (germline): Likely pathogenic. Review status: criteria provided, single submitter (1 of 4 stars). 2 submissions from 2 submitters: Likely pathogenic (1). 1 of the submissions does not count toward it. Last evaluated 2025-12-01.

Conditions:
Familial long QT syndrome (RWS). Also called: Congenital long QT syndrome; VENTRICULAR FIBRILLATION WITH PROLONGED QT INTERVAL; Romano-Ward syndrome. Identifiers: Orphanet 768, MedGen C1141890, MONDO:0019171.
Long QT syndrome (LQTS). Identifiers: MedGen C0023976, MeSH D008133, MONDO:0002442. Disease mechanism: loss of function. Inheritance: Various modes of inheritance.

Allele frequency attached by ClinVar (database versions not stated): gnomAD exomes below 0.00001; ExAC 0.00001.
gnomAD v4.1: 1 of 1,580,504 alleles (0.000063%); no homozygotes.

Submissions (3):

Labcorp Genetics (formerly Invitae), Labcorp
Classification: Likely pathogenic for Long QT syndrome. Last evaluated: 2025-12-01. Review status: criteria provided, single submitter. Criteria: Invitae Variant Classification Sherloc (09022015). Collection method: clinical testing. Allele origin: germline.
Comment: This sequence change replaces lysine, which is basic and polar, with methionine, which is neutral and non-polar, at codon 70 of the KCNE1 protein (p.Lys70Met). This variant is present in population databases (rs199473646, gnomAD no frequency). This missense change has been observed in individuals with clinical features of long QT syndrome (PMID: 31941373; internal data). ClinVar contains an entry for this variant (Variation ID: 132663). Invitae Evidence Modeling of protein sequence and biophysical properties (such as structural, functional, and spatial information, amino acid conservation, physicochemical variation, residue mobility, and thermodynamic stability) indicates that this missense variant is expected to disrupt KCNE1 protein function with a positive predictive value of 95%. Experimental studies have shown that this missense change affects KCNE1 function (PMID: 21576493, 38816749). This variant disrupts the p.Lys70 amino acid residue in KCNE1. Other variant(s) that disrupt this residue have been observed in individuals with KCNE1-related conditions (internal data), which suggests that this may be a clinically significant amino acid residue. In summary, the currently available evidence indicates that the variant is pathogenic, but additional data are needed to prove that conclusively. Therefore, this variant has been classified as Likely Pathogenic.

Cardiovascular Biomedical Research Unit, Royal Brompton & Harefield NHS Foundation Trust
No classification provided. Condition: Familial long QT syndrome. Review status: no classification provided. Collection method: literature only. Allele origin: germline. Not counted in ClinVar's aggregate classification.
Comment: This variant has been reported as associated with Long QT syndrome in the following publications (PMID:19716085). This is a literature report, and does not necessarily reflect the clinical interpretation of the Imperial College / Royal Brompton Cardiovascular Genetics laboratory.

Roden Lab, Vanderbilt University Medical Center
No classification provided (evidence only). Condition: Long QT syndrome 5. Review status: no classification provided. Collection method: in vitro. Allele origin: not applicable. Functional consequence: Effect on ion channel function. Not counted in ClinVar's aggregate classification.
ClinVar note: "not provided" was previously submitted as the classification for the variant. However, the classification appeared to be based only on an observation of functional data so it was converted to no classification on 2025-07-30.

Literature cited by the submitters: PubMed 31941373 (cited by Labcorp Genetics (formerly Invitae), Labcorp); PubMed 21576493 (cited by Labcorp Genetics (formerly Invitae), Labcorp); PubMed 38816749 (cited by Labcorp Genetics (formerly Invitae), Labcorp); PubMed 19716085 (cited by Cardiovascular Biomedical Research Unit, Royal Brompton & Harefield NHS Foundation Trust); PubMed 22581653 (cited by Cardiovascular Biomedical Research Unit, Royal Brompton & Harefield NHS Foundation Trust).

NM_000219.6(KCNE1):c.209A>T (p.Lys70Met)

Gene: KCNE1 (potassium voltage-gated channel subfamily E regulatory subunit 1; minus strand). Cytogenetic location: 21q22.12.
Variant type: single nucleotide variant.
Coding change: c.209A>T on transcript NM_000219.6 (MANE Select); coding-DNA position 209, A replaced by T.
Protein change: p.Lys70Met; replaces lysine 70 with methionine.
Molecular consequence: missense variant.
Genome position (GRCh38, 1-based): chr21:34,449,426, T>A on the plus strand (A>T on the coding strand, the complement: KCNE1 is on the minus strand). VCF-style: chr21-34449426-T-A. GRCh37 (hg19) VCF-style: chr21-35821724-T-A.
Other names: c.209A>T, p.Lys70Met (NM_001127668.4, NM_001127669.4, NM_001127670.4 and 4 more transcripts); c.209A>T (LRG_290t1); short protein forms K70M.
Identifiers: ClinVar variation 132663 (VCV000132663.6), dbSNP rs199473646, ClinGen allele CA331940.
Genomic context (GRCh38, chr21:34,449,426, plus strand): 5'-TTCTCTTGCCAGGCATCGGACTCGATGTAGACGTTGAATGGGTCGTTCGAGTGCTCCAGC[T>A]TCTTGGAGCGGATGTAGCTCAGCATGATGCCCAGGGTGAAGAAGCCGAAGAATCCCAGTA-3'
Protein context (NP_000210.2, residues 60-80): GIMLSYIRSK[Lys70Met]LEHSNDPFNV